The following is an entry in ClinVar:

GRCh37/hg19 22q11.21(chr22:18916843-21033401)x1

Genes: ARVCF (ARVCF delta catenin family member; minus strand), C22orf39 (chromosome 22 open reading frame 39; minus strand), CDC45 (cell division cycle 45; plus strand), CLDN5 (claudin 5; minus strand), CLTCL1 (clathrin heavy chain like 1; minus strand) and 32 more. Cytogenetic location: 22q11.21.
Variant type: copy number loss.
Change: copy number 1 (one copy instead of two) of chr22:18,916,843-21,033,401 (2.12 Mb, GRCh37 coordinates, 1-based), cytogenetic band 22q11.21.
Identifiers: ClinVar variation 1807729 (VCV001807729.2).

ClinVar aggregate classification (germline): Pathogenic (1 of 4 stars; one submission).

Submission:

Quest Diagnostics Nichols Institute San Juan Capistrano
Classification: Pathogenic. Last evaluated: 2023-12-16. Review status: criteria provided, single submitter. Criteria: ACMG/ClinGen CNV Guidelines, 2019. Collection method: clinical testing. Allele origin: unknown.
Comment: This copy number loss extends from low copy number repeats (LCRs) A to C and is consistent with proximal 22q11.2 deletion syndrome (overlaps ISCA-37433; OMIM 188400; McDonald-McGinn 2024). This syndrome has been referred to as velocardiofacial syndrome (OMIM 192430), and also historically as DiGeorge syndrome (OMIM 188400).. Thus,this copy number loss is classified as pathogenic. References: McDonald-McGinn et al., GeneReviews. [2024 May 9]. PMID: 20301696